The following is an entry in ClinVar:

ClinVar aggregate classification (germline): Pathogenic (1 of 4 stars; one submission).

Conditions:
Cobalamin C disease. Also called: Cobalamin-C methylmalonic acidemia and homocystinuria; Methylmalonic acidemia and homocystinuria cblC type; Methylmalonic aciduria and homocystinuria, Vitamin B12-responsive; Vitamin B12 metabolic defect with combined deficiency of methylmalonyl-CoA mutase and homocysteine:methyltetrahydrofolate methyltransferase; Methylmalonic aciduria with homocystinuria cblC type; methylmalonic aciduria and homocystinuria type cblC. Identifiers: Orphanet 26, Orphanet 79282, MedGen C1848561, MONDO:0010184, OMIM 277400.

Submission:

Myriad Genetics, Inc.
Classification: Pathogenic for Cobalamin C disease. Last evaluated: 2026-05-05. Review status: criteria provided, single submitter. Criteria: Myriad Autosomal Dominant, Autosomal Recessive and X-Linked Classification Criteria (2023). Collection method: clinical testing. Allele origin: unknown.
Comment: NM_015506.2(MMACHC):c.507dupA(E170Rfs*12) is a frameshift variant classified as pathogenic in the context of methylmalonic aciduria and homocystinuria, cblC type. E170Rfs*12 has not been observed in cases with relevant disease. Relevant functional assessments of this variant are not available in the literature. E170Rfs*12 has not been observed in referenced population frequency databases. In summary, NM_015506.2(MMACHC):c.507dupA(E170Rfs*12) is a frameshift variant in a gene where loss of function is a known mechanism of disease and is predicted to disrupt protein function. Please note: this variant was assessed in the context of healthy population screening.

NM_015506.3(MMACHC):c.507dup (p.Glu170fs)

Gene: MMACHC (metabolism of cobalamin associated C; plus strand). Cytogenetic location: 1p34.1.
Variant type: Duplication.
Coding change: c.507dup on transcript NM_015506.3 (MANE Select); coding-DNA position 507, one base duplicated (A; older notation c.507dupA).
Protein change: p.Glu170fs; shifts the reading frame from glutamic acid 170.
Molecular consequence: frameshift variant.
Genome position (GRCh38, 1-based): chr1:45,508,873, A duplicated. VCF-style (leftmost placement, unchanged base first): chr1-45508872-T-TA. GRCh37 (hg19) VCF-style: chr1-45974544-T-TA.
Other names: c.336dup, p.Glu113fs (NM_001330540.2); short protein forms E113fs, E170fs.
Identifiers: ClinVar variation 5004646 (VCV005004646.1).